The following is an entry in ClinVar:

NM_001365276.2(TNXB):c.8227A>G (p.Thr2743Ala)

Gene: TNXB (tenascin XB; minus strand). Cytogenetic location: 6p21.33.
Variant type: single nucleotide variant.
Coding change: c.8227A>G on transcript NM_001365276.2 (MANE Select); coding-DNA position 8227, A replaced by G.
Protein change: p.Thr2743Ala; replaces threonine 2743 with alanine.
Molecular consequence: missense variant.
Genome position (GRCh38, 1-based): chr6:32,056,091, T>C on the plus strand (A>G on the coding strand, the complement: TNXB is on the minus strand). VCF-style: chr6-32056091-T-C. GRCh37 (hg19) VCF-style: chr6-32023868-T-C.
Other names: c.8227A>G, p.Thr2743Ala (NM_019105.8); short protein forms T2743A.
Identifiers: ClinVar variation 2451129 (VCV002451129.2), dbSNP rs1777619353, ClinGen allele CA363549466.

ClinVar aggregate classification (germline): Uncertain significance (1 of 4 stars; one submission).

Conditions:
Cardiovascular phenotype. Identifiers: MedGen CN230736.

Allele frequency attached by ClinVar (database versions not stated): TOPMed 0.00001.

Submission:

Ambry Genetics
Classification: Uncertain significance for Cardiovascular phenotype. Last evaluated: 2022-12-01. Review status: criteria provided, single submitter. Criteria: Ambry Variant Classification Scheme 2023. Collection method: clinical testing. Allele origin: germline.
Comment: The p.T2743A variant (also known as c.8227A>G), located in coding exon 23 of the TNXB gene, results from an A to G substitution at nucleotide position 8227. The threonine at codon 2743 is replaced by alanine, an amino acid with similar properties. This amino acid position is conserved. In addition, this alteration is predicted to be tolerated by in silico analysis. Since supporting evidence is limited at this time, the clinical significance of this alteration remains unclear.